The following is an entry in ClinVar:

NM_198525.3(KIF7):c.3760C>A (p.Leu1254Ile)

Gene: KIF7 (kinesin family member 7; minus strand). Cytogenetic location: 15q26.1.
Variant type: single nucleotide variant.
Coding change: c.3760C>A on transcript NM_198525.3 (MANE Select); coding-DNA position 3760, C replaced by A.
Protein change: p.Leu1254Ile; replaces leucine 1254 with isoleucine.
Molecular consequence: missense variant.
Genome position (GRCh38, 1-based): chr15:89,628,691, G>T on the plus strand (C>A on the coding strand, the complement: KIF7 is on the minus strand). VCF-style: chr15-89628691-G-T. GRCh37 (hg19) VCF-style: chr15-90171922-G-T.
Other names: short protein forms L1254I.
Identifiers: ClinVar variation 2043405 (VCV002043405.5), dbSNP rs528407611, ClinGen allele CA7727546.

ClinVar aggregate classification (germline): Uncertain significance. Review status: criteria provided, multiple submitters, no conflicts (2 of 4 stars). 2 submissions from 2 submitters: Uncertain significance (2). Last evaluated 2024-03-04.

Conditions:
Inborn genetic diseases. Identifiers: MedGen C0950123, MeSH D030342.
Acrocallosal syndrome (ACLS). Also called: HALLUX DUPLICATION, POSTAXIAL POLYDACTYLY, AND ABSENCE OF CORPUS CALLOSUM; Schinzel syndrome 1; Absence of corpus callosum with unusual facial appearance, mental deficiency, duplication of the halluces and polydactyly. Identifiers: Orphanet 36, MedGen C0796147, MONDO:0008708, OMIM 200990.

Allele frequency attached by ClinVar (database versions not stated): TOPMed below 0.00001; gnomAD 0.00001; 1000 Genomes Project 0.00020; 1000 Genomes Project 30x 0.00031.
gnomAD v4.1: 11 of 1,613,028 alleles (0.00068%); highest among the groups gnomAD compares: East Asian, 0.013%; no homozygotes.

Submissions (2):

Labcorp Genetics (formerly Invitae), Labcorp
Classification: Uncertain significance for Acrocallosal syndrome. Last evaluated: 2024-03-04. Review status: criteria provided, single submitter. Criteria: Invitae Variant Classification Sherloc (09022015). Collection method: clinical testing. Allele origin: germline.
Comment: This sequence change replaces leucine, which is neutral and non-polar, with isoleucine, which is neutral and non-polar, at codon 1254 of the KIF7 protein (p.Leu1254Ile). This variant is present in population databases (rs528407611, gnomAD 0.003%). This variant has not been reported in the literature in individuals affected with KIF7-related conditions. ClinVar contains an entry for this variant (Variation ID: 2043405). Advanced modeling of protein sequence and biophysical properties (such as structural, functional, and spatial information, amino acid conservation, physicochemical variation, residue mobility, and thermodynamic stability) performed at Invitae indicates that this missense variant is not expected to disrupt KIF7 protein function with a negative predictive value of 80%. In summary, the available evidence is currently insufficient to determine the role of this variant in disease. Therefore, it has been classified as a Variant of Uncertain Significance.

Ambry Genetics
Classification: Uncertain significance for Inborn genetic diseases. Last evaluated: 2021-10-29. Review status: criteria provided, single submitter. Criteria: Ambry Variant Classification Scheme 2023. Collection method: clinical testing. Allele origin: germline.